The following is an entry in ClinVar:

NM_000095.3(COMP):c.886C>G (p.Pro296Ala)

Gene: COMP (cartilage oligomeric matrix protein; minus strand). Cytogenetic location: 19p13.11.
Variant type: single nucleotide variant.
Coding change: c.886C>G on transcript NM_000095.3 (MANE Select); coding-DNA position 886, C replaced by G.
Protein change: p.Pro296Ala; replaces proline 296 with alanine.
Molecular consequence: missense variant.
Genome position (GRCh38, 1-based): chr19:18,788,301, G>C on the plus strand (C>G on the coding strand, the complement: COMP is on the minus strand). VCF-style: chr19-18788301-G-C. GRCh37 (hg19) VCF-style: chr19-18899110-G-C.
Other names: short protein forms P296A.
Identifiers: ClinVar variation 2979334 (VCV002979334.3), dbSNP rs749583854, ClinGen allele CA9316592.

ClinVar aggregate classification (germline): Uncertain significance (1 of 4 stars; one submission).

Allele frequency attached by ClinVar (database versions not stated): gnomAD exomes 0.00001; ExAC 0.00002.
gnomAD v4.1: 4 of 1,612,152 alleles (0.00025%); highest among the groups gnomAD compares: South Asian, 0.0033%; no homozygotes.

Submission:

Labcorp Genetics (formerly Invitae), Labcorp
Classification: Uncertain significance. Last evaluated: 2025-08-07. Review status: criteria provided, single submitter. Criteria: Invitae Variant Classification Sherloc (09022015). Collection method: clinical testing. Allele origin: germline.
Comment: This sequence change replaces proline, which is neutral and non-polar, with alanine, which is neutral and non-polar, at codon 296 of the COMP protein (p.Pro296Ala). This variant is present in population databases (rs749583854, gnomAD 0.01%). This variant has not been reported in the literature in individuals affected with COMP-related conditions. ClinVar contains an entry for this variant (Variation ID: 2979334). Invitae Evidence Modeling of protein sequence and biophysical properties (such as structural, functional, and spatial information, amino acid conservation, physicochemical variation, residue mobility, and thermodynamic stability) indicates that this missense variant is expected to disrupt COMP protein function with a positive predictive value of 80%. This variant disrupts the p.Pro296 amino acid residue in COMP. Other variant(s) that disrupt this residue have been determined to be pathogenic (PMID: 24595329; internal data). This suggests that this residue is clinically significant, and that variants that disrupt this residue are likely to be disease-causing. In summary, the available evidence is currently insufficient to determine the role of this variant in disease. Therefore, it has been classified as a Variant of Uncertain Significance.

Literature cited by the submitters: PubMed 24595329.